The following is an entry in ClinVar:

ClinVar aggregate classification (germline): Uncertain significance. Review status: criteria provided, multiple submitters, no conflicts (2 of 4 stars). 3 submissions from 3 submitters: Uncertain significance (3). Last evaluated 2024-05-15.

Conditions:
Hyperglycinuria. Also called: GLYCINURIA WITH OR WITHOUT OXALATE NEPHROLITHIASIS; GLYCINURIA WITH OR WITHOUT OXALATE UROLITHIASIS; IMINOGLYCINURIA TYPE II. Identifiers: MedGen C0543541, MONDO:0007677, OMIM 138500, HP:0003108.
Iminoglycinuria. Identifiers: Orphanet 42062, MedGen C0268654, MONDO:0009448, OMIM 242600.
Neutral 1 amino acid transport defect (HND). Also called: HARTNUP DISORDER; Hartnup disease. Identifiers: Orphanet 2116, MedGen C0018609, MONDO:0009324, OMIM 234500.
Inborn genetic diseases. Identifiers: MedGen C0950123, MeSH D030342.

Allele frequency attached by ClinVar (database versions not stated): TOPMed 0.00004; ESP Exome Variant Server 0.00015.

Submissions (3):

Labcorp Genetics (formerly Invitae), Labcorp
Classification: Uncertain significance. Last evaluated: 2024-05-15. Review status: criteria provided, single submitter. Criteria: Invitae Variant Classification Sherloc (09022015). Collection method: clinical testing. Allele origin: germline.
Comment: This sequence change replaces aspartic acid, which is acidic and polar, with asparagine, which is neutral and polar, at codon 335 of the SLC6A19 protein (p.Asp335Asn). This variant is present in population databases (rs147646554, gnomAD 0.005%). This variant has not been reported in the literature in individuals affected with SLC6A19-related conditions. ClinVar contains an entry for this variant (Variation ID: 1406147). An algorithm developed to predict the effect of missense changes on protein structure and function (PolyPhen-2) suggests that this variant¬†is likely to be tolerated. In summary, the available evidence is currently insufficient to determine the role of this variant in disease. Therefore, it has been classified as a Variant of Uncertain Significance.

Ambry Genetics
Classification: Uncertain significance for Inborn genetic diseases. Last evaluated: 2023-09-13. Review status: criteria provided, single submitter. Criteria: Ambry Variant Classification Scheme 2023. Collection method: clinical testing. Allele origin: germline.

Fulgent Genetics
Classification: Uncertain significance for Hyperglycinuria; Neutral 1 amino acid transport defect; Iminoglycinuria. Last evaluated: 2022-05-02. Review status: criteria provided, single submitter. Criteria: ACMG Guidelines, 2015. Collection method: clinical testing. Allele origin: unknown.

NM_001003841.3(SLC6A19):c.1003G>A (p.Asp335Asn)

Gene: SLC6A19 (solute carrier family 6 member 19; plus strand). Cytogenetic location: 5p15.33.
Variant type: single nucleotide variant.
Coding change: c.1003G>A on transcript NM_001003841.3 (MANE Select); coding-DNA position 1003, G replaced by A.
Protein change: p.Asp335Asn; replaces aspartic acid 335 with asparagine.
Molecular consequence: missense variant.
Genome position (GRCh38, 1-based): chr5:1,216,673, G>A. VCF-style: chr5-1216673-G-A. GRCh37 (hg19) VCF-style: chr5-1216788-G-A.
Other names: c.1003G>A (NM_001003841.2); short protein forms D335N.
Identifiers: ClinVar variation 1406147 (VCV001406147.9), dbSNP rs147646554, ClinGen allele CA3182982.